The following is an entry in ClinVar:

NM_004329.3(BMPR1A):c.1378A>G (p.Met460Val)

Gene: BMPR1A (bone morphogenetic protein receptor type 1A; plus strand). Cytogenetic location: 10q23.2.
Variant type: single nucleotide variant.
Coding change: c.1378A>G on transcript NM_004329.3 (MANE Select); coding-DNA position 1378, A replaced by G.
Protein change: p.Met460Val; replaces methionine 460 with valine.
Molecular consequence: missense variant.
Genome position (GRCh38, 1-based): chr10:86,923,411, A>G. VCF-style: chr10-86923411-A-G. GRCh37 (hg19) VCF-style: chr10-88683168-A-G.
Other names: short protein forms M460V.
Identifiers: ClinVar variation 664554 (VCV000664554.12), dbSNP rs761612520, ClinGen allele CA5585707.
Genomic context (GRCh38, chr10:86,923,411, plus strand): 5'-CCCATGTTTTCTCATTCCCTTATAGGGATCGTGGAAGAATACCAATTGCCATATTACAAC[A>G]TGGTACCGAGTGATCCGTCATACGAAGATATGCGTGAGGTTGTGTGTGTCAAACGTTTGC-3'
Protein context (NP_004320.2, residues 450-470): VEEYQLPYYN[Met460Val]VPSDPSYEDM

ClinVar aggregate classification (germline): Uncertain significance. Review status: criteria provided, multiple submitters, no conflicts (2 of 4 stars). 2 submissions from 2 submitters: Uncertain significance (2). Last evaluated 2025-04-29.

Conditions:
Hereditary cancer-predisposing syndrome. Also called: Neoplastic Syndromes, Hereditary; Hereditary neoplastic syndrome; Tumor predisposition; Hereditary Cancer Syndrome. Identifiers: Orphanet 140162, MedGen C0027672, MeSH D009386, MONDO:0015356.
Juvenile polyposis syndrome (JPS). Identifiers: Orphanet 2929, MedGen C0345893, MONDO:0017380, OMIM 174900.

Allele frequency attached by ClinVar (database versions not stated): gnomAD exomes below 0.00001; ExAC 0.00001.

Submissions (2):

Labcorp Genetics (formerly Invitae), Labcorp
Classification: Uncertain significance for Juvenile polyposis syndrome. Last evaluated: 2025-04-29. Review status: criteria provided, single submitter. Criteria: Invitae Variant Classification Sherloc (09022015). Collection method: clinical testing. Allele origin: germline.
Comment: This sequence change replaces methionine, which is neutral and non-polar, with valine, which is neutral and non-polar, at codon 460 of the BMPR1A protein (p.Met460Val). This variant is present in population databases (rs761612520, gnomAD 0.0009%). This variant has not been reported in the literature in individuals affected with BMPR1A-related conditions. ClinVar contains an entry for this variant (Variation ID: 664554). Invitae Evidence Modeling of protein sequence and biophysical properties (such as structural, functional, and spatial information, amino acid conservation, physicochemical variation, residue mobility, and thermodynamic stability) has been performed for this missense variant. However, the output from this modeling did not meet the statistical confidence thresholds required to predict the impact of this variant on BMPR1A protein function. In summary, the available evidence is currently insufficient to determine the role of this variant in disease. Therefore, it has been classified as a Variant of Uncertain Significance.

Ambry Genetics
Classification: Uncertain significance for Hereditary cancer-predisposing syndrome. Last evaluated: 2024-10-11. Review status: criteria provided, single submitter. Criteria: Ambry Variant Classification Scheme 2023. Collection method: clinical testing. Allele origin: germline.
Comment: The p.M460V variant (also known as c.1378A>G), located in coding exon 10 of the BMPR1A gene, results from an A to G substitution at nucleotide position 1378. The methionine at codon 460 is replaced by valine, an amino acid with highly similar properties. This amino acid position is well conserved in available vertebrate species. In addition, the in silico prediction for this alteration is inconclusive. Based on the available evidence, the clinical significance of this variant remains unclear.